The following is an entry in ClinVar:

ClinVar aggregate classification (germline): Pathogenic (1 of 4 stars; one submission).

Conditions:
Bloom syndrome (BLM). Also called: Bloom-Torre-Machacek syndrome. Identifiers: Orphanet 125, MedGen C0005859, MONDO:0008876, OMIM 210900.

Submission:

Labcorp Genetics (formerly Invitae), Labcorp
Classification: Pathogenic for Bloom syndrome. Last evaluated: 2020-12-26. Review status: criteria provided, single submitter. Criteria: Invitae Variant Classification Sherloc (09022015). Collection method: clinical testing. Allele origin: germline.
Comment: For these reasons, this variant has been classified as Pathogenic. This variant has not been reported in the literature in individuals with BLM-related conditions. This variant is not present in population databases (ExAC no frequency). This sequence change creates a premature translational stop signal (p.Gln1343*) in the BLM gene. It is expected to result in an absent or disrupted protein product. Loss-of-function variants in BLM are known to be pathogenic (PMID: 17407155).

Literature cited by the submitters: PubMed 17407155.

NM_000057.4(BLM):c.4027C>T (p.Gln1343Ter)

Gene: BLM (BLM RecQ like helicase; plus strand). Cytogenetic location: 15q26.1.
Variant type: single nucleotide variant.
Coding change: c.4027C>T on transcript NM_000057.4 (MANE Select); coding-DNA position 4027, C replaced by T.
Protein change: p.Gln1343Ter; replaces glutamine 1343 with a stop codon.
Molecular consequence: nonsense.
Genome position (GRCh38, 1-based): chr15:90,811,357, C>T. VCF-style: chr15-90811357-C-T. GRCh37 (hg19) VCF-style: chr15-91354587-C-T.
Other names: c.4027C>T, p.Gln1343Ter (NM_001287246.2); c.3634C>T, p.Gln1212Ter (NM_001287247.2); c.2902C>T, p.Gln968Ter (NM_001287248.2); short protein forms Q1212*, Q1343*, Q968*.
Identifiers: ClinVar variation 1413196 (VCV001413196.6), dbSNP rs2151199939, ClinGen allele CA393851338.
Genomic context (GRCh38, chr15:90,811,357, plus strand): 5'-TCCCACTACTTTGCAAGTAAAACCAGAAATGAAAGGAAGAGGAAAAAGATGCCAGCCTCC[C>T]AAAGGTCTAAGAGGAGAAAAACTGCTTCCAGTGGTTCCAAGGCAAAGGGGTATGTTTTGT-3'